The following is an entry in ClinVar:

NM_001128178.3(NPHP1):c.1722G>A (p.Ser574=)

Gene: NPHP1 (nephrocystin 1; minus strand). Cytogenetic location: 2q13.
Variant type: single nucleotide variant.
Coding change: c.1722G>A on transcript NM_001128178.3 (MANE Select); coding-DNA position 1722, G replaced by A.
Protein change: p.Ser574=; no amino-acid change (serine 574 retained).
Molecular consequence: synonymous variant.
Genome position (GRCh38, 1-based): chr2:110,125,676, C>T on the plus strand (G>A on the coding strand, the complement: NPHP1 is on the minus strand). VCF-style: chr2-110125676-C-T. GRCh37 (hg19) VCF-style: chr2-110883253-C-T.
Other names: c.1890G>A, p.Ser630= (NM_000272.5); c.1533G>A, p.Ser511= (NM_001128179.3); c.1719G>A, p.Ser573= (NM_001374256.1); c.1722G>A, p.Ser574= (NM_001374257.1); c.1887G>A, p.Ser629= (NM_207181.4); c.1890G>A (NM_000272.3).
Identifiers: ClinVar variation 1094330 (VCV001094330.13), dbSNP rs778531895, ClinGen allele CA1826910.

ClinVar aggregate classification (germline): Likely benign. Review status: criteria provided, multiple submitters, no conflicts (2 of 4 stars). 4 submissions from 4 submitters: Likely benign (3). 1 of the submissions does not count toward it. Last evaluated 2025-12-15.

Conditions:
NPHP1-related disorder. Also called: NPHP1-related condition; NPHP1-related disorders.
Nephronophthisis. Also called: Juvenile Nephronophthisis. Identifiers: Orphanet 655, MedGen C0687120, MONDO:0019005, HP:0000090.
Joubert syndrome with renal defect. Also called: JOUBERT SYNDROME 4. Identifiers: Orphanet 220497, MedGen C1846790, MONDO:0012308, OMIM 609583.
Senior-Loken syndrome 1 (SLSN1). Also called: JUVENILE NEPHRONOPHTHISIS WITH LEBER AMAUROSIS. Identifiers: Orphanet 3156, MedGen C4551559, MONDO:0009962, OMIM 266900.
Nephronophthisis 1 (NPHP1). Also called: Nephronophthisis familial juvenile. Identifiers: Orphanet 655, Orphanet 93592, MedGen C1855681, MONDO:0009728, OMIM 256100.

Allele frequency attached by ClinVar (database versions not stated): TOPMed 0.00001; gnomAD exomes 0.00003; ExAC 0.00004.
gnomAD v4.1: 29 of 1,612,988 alleles (0.0018%); highest among the groups gnomAD compares: African/African-American, 0.0027%; no homozygotes.

Submissions (4):

Labcorp Genetics (formerly Invitae), Labcorp
Classification: Likely benign for Nephronophthisis. Last evaluated: 2025-12-15. Review status: criteria provided, single submitter. Criteria: Invitae Variant Classification Sherloc (09022015). Collection method: clinical testing. Allele origin: germline.

Blueprint Genetics
Classification: Likely benign. Last evaluated: 2024-05-29. Review status: criteria provided, single submitter. Criteria: ACMG Guidelines, 2015. Collection method: clinical testing. Allele origin: germline.

Fulgent Genetics
Classification: Likely benign for Nephronophthisis 1; Senior-Loken syndrome 1; Joubert syndrome with renal defect. Last evaluated: 2022-05-11. Review status: criteria provided, single submitter. Criteria: ACMG Guidelines, 2015. Collection method: clinical testing. Allele origin: unknown.

PreventionGenetics, part of Exact Sciences
Classification: Likely benign for NPHP1-related condition. Last evaluated: 2019-07-01. Review status: no assertion criteria provided. Collection method: clinical testing. Allele origin: germline. Not counted in ClinVar's aggregate classification.
Comment: This variant is classified as likely benign based on ACMG/AMP sequence variant interpretation guidelines (Richards et al. 2015 PMID: 25741868, with internal and published modifications).